The following is an entry in ClinVar:

NM_001130145.3(YAP1):c.862C>T (p.Gln288Ter)

Gene: YAP1 (Yes1 associated transcriptional regulator; plus strand). Cytogenetic location: 11q22.1.
Variant type: single nucleotide variant.
Coding change: c.862C>T on transcript NM_001130145.3 (MANE Select); coding-DNA position 862, C replaced by T.
Protein change: p.Gln288Ter; replaces glutamine 288 with a stop codon.
Molecular consequence: nonsense.
Genome position (GRCh38, 1-based): chr11:102,205,952, C>T. VCF-style: chr11-102205952-C-T. GRCh37 (hg19) VCF-style: chr11-102076683-C-T.
Other names: c.862C>T, p.Gln288Ter (NM_001195044.2, NM_001282100.2, NM_001282101.2); c.328C>T, p.Gln110Ter (NM_001195045.2); c.748C>T, p.Gln250Ter (NM_001282097.2, NM_001282098.2, NM_001282099.2 and 1 more transcripts); short protein forms Q250*, Q288*, Q110*.
Identifiers: ClinVar variation 2107478 (VCV002107478.4), dbSNP rs1265956918, ClinGen allele CA382290251.

ClinVar aggregate classification (germline): Uncertain significance (1 of 4 stars; one submission).

Submission:

Labcorp Genetics (formerly Invitae), Labcorp
Classification: Uncertain significance. Last evaluated: 2022-05-24. Review status: criteria provided, single submitter. Criteria: Invitae Variant Classification Sherloc (09022015). Collection method: clinical testing. Allele origin: germline.
Comment: This sequence change creates a premature translational stop signal (p.Gln288*) in the YAP1 gene. It is expected to result in an absent or disrupted protein product. However, the current clinical and genetic evidence is not sufficient to establish whether loss-of-function variants in YAP1 cause disease. This variant is not present in population databases (gnomAD no frequency). This variant has not been reported in the literature in individuals affected with YAP1-related conditions. In summary, the available evidence is currently insufficient to determine the role of this variant in disease. Therefore, it has been classified as a Variant of Uncertain Significance.